The following is an entry in ClinVar:

ClinVar aggregate classification (germline): Conflicting classifications of pathogenicity. Review status: criteria provided, conflicting classifications (1 of 4 stars). 9 submissions from 9 submitters: Uncertain significance (5); Likely benign (3). 1 of the submissions does not count toward it. Last evaluated 2026-07-21.

Conditions:
RYR1-related disorder. Also called: RYR1-related condition; RYR1-related disorders. Identifiers: MedGen CN239331.
Malignant hyperthermia, susceptibility to, 1 (MHS1). Also called: Anesthesia related hyperthermia; Malignant hyperpyrexia; Fulminating hyperpyrexia; Pharmacogenic myopathy; RYR1-Related Malignant Hyperthermia Susceptibility; Malignant hyperthermia suceptibility 1. Identifiers: Orphanet 423, MedGen C2930980, MONDO:0007783, OMIM 145600.

Allele frequency attached by ClinVar (database versions not stated): gnomAD 0.00116 and 0.00125; 1000 Genomes Project 30x 0.00141; ESP Exome Variant Server 0.00092; TOPMed 0.00116; 1000 Genomes Project 0.00120; gnomAD exomes 0.00013 and 0.00025; ExAC 0.00029.
gnomAD v4.1: 374 of 1,609,174 alleles (0.023%); highest among the groups gnomAD compares: African/African-American, 0.42%; 1 homozygote.

Submissions (9):

GeneDx
Classification: Uncertain significance. Last evaluated: 2026-07-21. Review status: criteria provided, single submitter. Criteria: GeneDx Variant Classification Process June 2021. Collection method: clinical testing. Allele origin: germline.
Comment: In silico analysis suggests that this missense variant does not alter protein structure/function; Observed as homozygous in a patient without malignant hyperthermia after known exposure to triggering anesthetics (PMID: 39745345); Observed in a cohort of patients with a suspected RYR1-related myopathy; detailed clinical and segregation information was not reported (PMID: 32236737); This variant is associated with the following publications: (PMID: 33767344, 39745345, 32236737)

Labcorp Genetics (formerly Invitae), Labcorp
Classification: Likely benign for RYR1-related disorder. Last evaluated: 2026-01-21. Review status: criteria provided, single submitter. Criteria: Invitae Variant Classification Sherloc (09022015). Collection method: clinical testing. Allele origin: germline.

Revvity Omics, Revvity
Classification: Uncertain significance. Last evaluated: 2025-06-23. Review status: criteria provided, single submitter. Criteria: ACMG Guidelines, 2015. Collection method: clinical testing. Allele origin: germline.

Mayo Clinic Laboratories, Mayo Clinic
Classification: Uncertain significance. Last evaluated: 2025-03-25. Review status: criteria provided, single submitter. Criteria: ACMG Guidelines, 2015. Collection method: clinical testing. Allele origin: germline. Observed: 2 variant alleles.
Comment: BS1

All of Us Research Program, National Institutes of Health
Classification: Likely benign for Malignant hyperthermia, susceptibility to, 1. Last evaluated: 2024-09-23. Review status: criteria provided, single submitter. Criteria: ACMG Guidelines, 2015. Collection method: clinical testing. Allele origin: germline. Inheritance: Autosomal dominant inheritance. Observed: 101 variant alleles, 101 heterozygotes.
Comment: This study involves interpretation of variants in research participants for the purpose of population health screening. Participant phenotype was not available at the time of variant classification. Additional details can be found in publication PMID: 35346344, PMCID: PMC8962531

Color Diagnostics, LLC DBA Color Health
Classification: Likely benign for Malignant hyperthermia, susceptibility to, 1. Last evaluated: 2022-08-26. Review status: criteria provided, single submitter. Criteria: ACMG Guidelines, 2015. Collection method: clinical testing. Allele origin: germline.

Genetic Services Laboratory, University of Chicago
Classification: Uncertain significance. Last evaluated: 2016-05-16. Review status: criteria provided, single submitter. Criteria: ACMG Guidelines, 2015. Collection method: clinical testing. Allele origin: germline. Affected: no.

Eurofins Ntd Llc (ga)
Classification: Uncertain significance. Last evaluated: 2015-01-23. Review status: criteria provided, single submitter. Criteria: EGL Classification Definitions 2015. Collection method: clinical testing. Allele origin: germline. Observed: 2 variant alleles, 2 heterozygotes.

PreventionGenetics, part of Exact Sciences
Classification: Likely benign for RYR1-related condition. Last evaluated: 2022-08-16. Review status: no assertion criteria provided. Collection method: clinical testing. Allele origin: germline. Not counted in ClinVar's aggregate classification.
Comment: This variant is classified as likely benign based on ACMG/AMP sequence variant interpretation guidelines (Richards et al. 2015 PMID: 25741868, with internal and published modifications).

Literature cited by the submitters: PubMed 32236737 (cited by Mayo Clinic Laboratories, Mayo Clinic).

NM_000540.3(RYR1):c.94C>T (p.Leu32Phe)

Gene: RYR1 (ryanodine receptor 1; plus strand). Cytogenetic location: 19q13.2.
Variant type: single nucleotide variant.
Coding change: c.94C>T on transcript NM_000540.3 (MANE Select); coding-DNA position 94, C replaced by T.
Protein change: p.Leu32Phe; replaces leucine 32 with phenylalanine.
Molecular consequence: missense variant.
Genome position (GRCh38, 1-based): chr19:38,440,793, C>T. VCF-style: chr19-38440793-C-T. GRCh37 (hg19) VCF-style: chr19-38931433-C-T.
Other names: c.94C>T, p.Leu32Phe (NM_001042723.2); short protein forms L32F.
Identifiers: ClinVar variation 195083 (VCV000195083.37), dbSNP rs138630815, ClinGen allele CA024988.